The following is an entry in ClinVar:

ClinVar aggregate classification (germline): Pathogenic (1 of 4 stars; one submission).

Allele frequency attached by ClinVar (database versions not stated): gnomAD exomes below 0.00001; TOPMed below 0.00001; gnomAD 0.00001.
gnomAD v4.1: 3 of 1,612,310 alleles (0.00019%); highest among the groups gnomAD compares: African/African-American, 0.004%; no homozygotes.

Submission:

Labcorp Genetics (formerly Invitae), Labcorp
Classification: Pathogenic. Last evaluated: 2022-12-23. Review status: criteria provided, single submitter. Criteria: Invitae Variant Classification Sherloc (09022015). Collection method: clinical testing. Allele origin: germline.
Comment: This sequence change creates a premature translational stop signal (p.Gln104*) in the RGS9 gene. It is expected to result in an absent or disrupted protein product. Loss-of-function variants in RGS9 are known to be pathogenic (PMID: 11262419, 14702087). This variant is present in population databases (no rsID available, gnomAD 0.01%). This variant has not been reported in the literature in individuals affected with RGS9-related conditions. ClinVar contains an entry for this variant (Variation ID: 1490395). For these reasons, this variant has been classified as Pathogenic.

Literature cited by the submitters: PubMed 11262419; PubMed 14702087.

NM_003835.4(RGS9):c.310C>T (p.Gln104Ter)

Gene: RGS9 (regulator of G protein signaling 9; plus strand). Cytogenetic location: 17q24.1.
Variant type: single nucleotide variant.
Coding change: c.310C>T on transcript NM_003835.4 (MANE Select); coding-DNA position 310, C replaced by T.
Protein change: p.Gln104Ter; replaces glutamine 104 with a stop codon.
Molecular consequence: nonsense.
Genome position (GRCh38, 1-based): chr17:65,160,337, C>T. VCF-style: chr17-65160337-C-T. GRCh37 (hg19) VCF-style: chr17-63156455-C-T.
Other names: c.310C>T, p.Gln104Ter (NM_001081955.3, NM_001165933.2); short protein forms Q104*.
Identifiers: ClinVar variation 1490395 (VCV001490395.6), dbSNP rs1017448105, ClinGen allele CA293073095.